The following is an entry in ClinVar:

ClinVar aggregate classification (germline): Uncertain significance (1 of 4 stars; one submission).

Allele frequency attached by ClinVar (database versions not stated): ESP Exome Variant Server 0.00008.
gnomAD v4.1: 9 of 1,613,954 alleles (0.00056%); highest among the groups gnomAD compares: African/African-American, 0.011%; no homozygotes.

Submission:

Labcorp Genetics (formerly Invitae), Labcorp
Classification: Uncertain significance. Last evaluated: 2023-12-06. Review status: criteria provided, single submitter. Criteria: Invitae Variant Classification Sherloc (09022015). Collection method: clinical testing. Allele origin: germline.
Comment: This sequence change replaces valine, which is neutral and non-polar, with leucine, which is neutral and non-polar, at codon 233 of the CAD protein (p.Val233Leu). This variant is present in population databases (rs146747331, gnomAD 0.007%). This variant has not been reported in the literature in individuals affected with CAD-related conditions. ClinVar contains an entry for this variant (Variation ID: 1380468). An algorithm developed to predict the effect of missense changes on protein structure and function (PolyPhen-2) suggests that this variant¬†is likely to be tolerated. In summary, the available evidence is currently insufficient to determine the role of this variant in disease. Therefore, it has been classified as a Variant of Uncertain Significance.

NM_004341.5(CAD):c.697G>C (p.Val233Leu)

Gene: CAD (carbamoyl-phosphate synthetase 2, aspartate transcarbamylase, and dihydroorotase; plus strand). Cytogenetic location: 2p23.3.
Variant type: single nucleotide variant.
Coding change: c.697G>C on transcript NM_004341.5 (MANE Select); coding-DNA position 697, G replaced by C.
Protein change: p.Val233Leu; replaces valine 233 with leucine.
Molecular consequence: missense variant.
Genome position (GRCh38, 1-based): chr2:27,222,925, G>C. VCF-style: chr2-27222925-G-C. GRCh37 (hg19) VCF-style: chr2-27445793-G-C.
Other names: c.697G>C, p.Val233Leu (NM_001306079.2); short protein forms V233L.
Identifiers: ClinVar variation 1380468 (VCV001380468.7), dbSNP rs146747331, ClinGen allele CA44492905.